The following is an entry in ClinVar:

ClinVar aggregate classification (germline): Uncertain significance. Review status: criteria provided, multiple submitters, no conflicts (2 of 4 stars). 2 submissions from 2 submitters: Uncertain significance (2). Last evaluated 2025-01-27.

Conditions:
Cardiovascular phenotype. Identifiers: MedGen CN230736.
Hereditary cancer-predisposing syndrome. Also called: Tumor predisposition; Neoplastic Syndromes, Hereditary; Hereditary Cancer Syndrome; Hereditary neoplastic syndrome. Identifiers: Orphanet 140162, MedGen C0027672, MeSH D009386, MONDO:0015356.
LZTR1-related disorder. Also called: LZTR1-related disorders; LZTR1-related condition.

Submissions (2):

Ambry Genetics
Classification: Uncertain significance for Cardiovascular phenotype; Hereditary cancer-predisposing syndrome. Last evaluated: 2025-01-27. Review status: criteria provided, single submitter. Criteria: Ambry Variant Classification Scheme 2023. Collection method: clinical testing. Allele origin: germline.
Comment: The p.I776F variant (also known as c.2326A>T) is located in coding exon 20 of the LZTR1 gene. The isoleucine at codon 776 is replaced by phenylalanine, an amino acid with highly similar properties. This change occurs in the first base pair of coding exon 20. This amino acid position is conserved. In addition, this alteration is predicted to be deleterious by in silico analysis. Based on the available evidence, the clinical significance of this variant remains unclear.

PreventionGenetics, part of Exact Sciences
Classification: Uncertain significance for LZTR1-related condition. Last evaluated: 2025-01-06. Review status: criteria provided, single submitter. Criteria: ACMG Guidelines, 2015. Collection method: clinical testing. Allele origin: germline.
Comment: The LZTR1 c.2326A>T variant is predicted to result in the amino acid substitution p.Ile776Phe. To our knowledge, this variant has not been reported in the literature or in a large population database (gnomAD), indicating this variant is rare. At this time, the clinical significance of this variant is uncertain due to the absence of conclusive functional and genetic evidence.

NM_006767.4(LZTR1):c.2326A>T (p.Ile776Phe)

Gene: LZTR1 (leucine zipper like post translational regulator 1; plus strand). Cytogenetic location: 22q11.21.
Variant type: single nucleotide variant.
Coding change: c.2326A>T on transcript NM_006767.4 (MANE Select); coding-DNA position 2326, A replaced by T.
Protein change: p.Ile776Phe; replaces isoleucine 776 with phenylalanine.
Molecular consequence: missense variant.
Genome position (GRCh38, 1-based): chr22:20,996,886, A>T. VCF-style: chr22-20996886-A-T. GRCh37 (hg19) VCF-style: chr22-21351175-A-T.
Other names: short protein forms I776F.
Identifiers: ClinVar variation 3869308 (VCV003869308.2).